The following is an entry in ClinVar:

ClinVar aggregate classification (germline): Uncertain significance (1 of 4 stars; one submission).

Conditions:
Cardiovascular phenotype. Identifiers: MedGen CN230736.

Submission:

Ambry Genetics
Classification: Uncertain significance for Cardiovascular phenotype. Last evaluated: 2022-11-02. Review status: criteria provided, single submitter. Criteria: Ambry Variant Classification Scheme 2023. Collection method: clinical testing. Allele origin: germline.
Comment: The p.F1313L variant (also known as c.3939T>G), located in coding exon 33 of the ANK2 gene, results from a T to G substitution at nucleotide position 3939. The phenylalanine at codon 1313 is replaced by leucine, an amino acid with highly similar properties. This amino acid position is conserved. In addition, the in silico prediction for this alteration is inconclusive. Since supporting evidence is limited at this time, the clinical significance of this alteration remains unclear.

NM_001148.6(ANK2):c.3939T>G (p.Phe1313Leu)

Gene: ANK2 (ankyrin 2; plus strand). Cytogenetic location: 4q26.
Variant type: single nucleotide variant.
Coding change: c.3939T>G on transcript NM_001148.6 (MANE Select); coding-DNA position 3939, T replaced by G.
Protein change: p.Phe1313Leu; replaces phenylalanine 1313 with leucine.
Molecular consequence: missense variant.
Genome position (GRCh38, 1-based): chr4:113,341,733, T>G. VCF-style: chr4-113341733-T-G. GRCh37 (hg19) VCF-style: chr4-114262889-T-G.
Other names: c.3912T>G, p.Phe1304Leu (NM_001127493.3); c.3951T>G, p.Phe1317Leu (NM_001354225.2); c.3840T>G, p.Phe1280Leu (NM_001354228.2, NM_001354258.2); c.3918T>G, p.Phe1306Leu (NM_001354230.2); c.3981T>G, p.Phe1327Leu (NM_001354231.2, NM_001354242.2); c.3975T>G, p.Phe1325Leu (NM_001354232.2); c.3936T>G, p.Phe1312Leu (NM_001354235.2, NM_001354246.2, NM_001354265.2); c.3837T>G, p.Phe1279Leu (NM_001354236.2); and 31 more; short protein forms F1213L, F1246L, F1296L, F1306L, F1332L, F1339L, F1218L, F1226L.
Identifiers: ClinVar variation 2450621 (VCV002450621.2), dbSNP rs1294900398, ClinGen allele CA357909056.